The following is an entry in ClinVar:

ClinVar aggregate classification (germline): Uncertain significance. Review status: criteria provided, multiple submitters, no conflicts (2 of 4 stars). 3 submissions from 3 submitters: Uncertain significance (3). Last evaluated 2025-10-17.

Conditions:
Ehlers-Danlos syndrome, classic type, 1 (EDSCL1). Also called: EHLERS-DANLOS SYNDROME, GRAVIS TYPE; EHLERS-DANLOS SYNDROME, SEVERE CLASSIC TYPE; EDS I; Ehlers-Danlos Syndrome, Classic Type, COL5A1-Related; Ehlers-Danlos syndrome, type 1. Identifiers: MedGen C0268335, MONDO:0019567, OMIM 130000.

Allele frequency attached by ClinVar (database versions not stated): gnomAD 0.00001.
gnomAD v4.1: 7 of 1,613,946 alleles (0.00043%); highest among the groups gnomAD compares: African/African-American, 0.004%; no homozygotes.

Submissions (3):

Labcorp Genetics (formerly Invitae), Labcorp
Classification: Uncertain significance for Ehlers-Danlos syndrome, classic type, 1. Last evaluated: 2025-10-17. Review status: criteria provided, single submitter. Criteria: Invitae Variant Classification Sherloc (09022015). Collection method: clinical testing. Allele origin: germline.
Comment: This sequence change replaces aspartic acid, which is acidic and polar, with asparagine, which is neutral and polar, at codon 1286 of the COL5A2 protein (p.Asp1286Asn). This variant is not present in population databases (gnomAD no frequency). This missense change has been observed in individual(s) with thoracic aortic aneurysm/dissection (PMID: 28855619). ClinVar contains an entry for this variant (Variation ID: 1040352). Invitae Evidence Modeling of protein sequence and biophysical properties (such as structural, functional, and spatial information, amino acid conservation, physicochemical variation, residue mobility, and thermodynamic stability) indicates that this missense variant is not expected to disrupt COL5A2 protein function with a negative predictive value of 80%. In summary, the available evidence is currently insufficient to determine the role of this variant in disease. Therefore, it has been classified as a Variant of Uncertain Significance.

Women's Health and Genetics/Laboratory Corporation of America, LabCorp
Classification: Uncertain significance. Last evaluated: 2025-07-23. Review status: criteria provided, single submitter. Criteria: LabCorp Variant Classification Summary - May 2015. Collection method: clinical testing. Allele origin: germline.
Comment: Variant summary: COL5A2 c.3856G>A (p.Asp1286Asn) results in a conservative amino acid change in the encoded protein sequence. Algorithms developed to predict the effect of missense changes on protein structure and function are either unavailable or do not agree on the potential impact of this missense change. The variant was absent in 251284 control chromosomes. The available data on variant occurrences in the general population are insufficient to allow any conclusion about variant significance. c.3856G>A has been observed in an individual from a thoracic aortic aneurysm and dissection cohort (Fang_2017). This report does not provide unequivocal conclusions about association of the variant with Ehlers-Danlos syndrome, classic type, 2. To our knowledge, no experimental evidence demonstrating an impact on protein function has been reported. The following publication has been ascertained in the context of this evaluation (PMID: 28855619). ClinVar contains an entry for this variant (Variation ID: 1040352). Based on the evidence outlined above, the variant was classified as uncertain significance.

GeneDx
Classification: Uncertain significance. Last evaluated: 2023-02-21. Review status: criteria provided, single submitter. Criteria: GeneDx Variant Classification Process June 2021. Collection method: clinical testing. Allele origin: germline. Affected: yes.
Comment: Identified in a patient with thoracic aortic aneurysm (TAA) in published literature (Fang et al., 2017); Not observed at significant frequency in large population cohorts (gnomAD); Not located in the triple helical region, where the majority of pathogenic missense variants occur (Symoens et al., 2012; HGMD); In silico analysis supports that this missense variant does not alter protein structure/function; This variant is associated with the following publications: (PMID: 28855619)

Literature cited by the submitters: PubMed 28855619 (cited by Labcorp Genetics (formerly Invitae), Labcorp and Women's Health and Genetics/Laboratory Corporation of America, LabCorp).

NM_000393.5(COL5A2):c.3856G>A (p.Asp1286Asn)

Gene: COL5A2 (collagen type V alpha 2 chain; minus strand). Cytogenetic location: 2q32.2.
Variant type: single nucleotide variant.
Coding change: c.3856G>A on transcript NM_000393.5 (MANE Select); coding-DNA position 3856, G replaced by A.
Protein change: p.Asp1286Asn; replaces aspartic acid 1286 with asparagine.
Molecular consequence: missense variant.
Genome position (GRCh38, 1-based): chr2:189,039,341, C>T on the plus strand (G>A on the coding strand, the complement: COL5A2 is on the minus strand). VCF-style: chr2-189039341-C-T. GRCh37 (hg19) VCF-style: chr2-189904067-C-T.
Other names: c.3856G>A (NM_000393.3); short protein forms D1286N.
Identifiers: ClinVar variation 1040352 (VCV001040352.47), dbSNP rs1194645204, ClinGen allele CA349857530.